The following is an entry in ClinVar:

ClinVar aggregate classification (germline): Uncertain significance (1 of 4 stars; one submission).

Submission:

Mayo Clinic Laboratories, Mayo Clinic
Classification: Uncertain significance. Last evaluated: 2023-12-27. Review status: criteria provided, single submitter. Criteria: ACMG Guidelines, 2015. Collection method: clinical testing. Allele origin: germline. Observed: 1 variant allele.
Comment: PM2_moderate

NM_003126.4(SPTA1):c.4307G>T (p.Arg1436Leu)

Gene: SPTA1 (spectrin alpha, erythrocytic 1; minus strand). Cytogenetic location: 1q23.1.
Variant type: single nucleotide variant.
Coding change: c.4307G>T on transcript NM_003126.4 (MANE Select); coding-DNA position 4307, G replaced by T.
Protein change: p.Arg1436Leu; replaces arginine 1436 with leucine.
Molecular consequence: missense variant.
Genome position (GRCh38, 1-based): chr1:158,644,284, C>A on the plus strand (G>T on the coding strand, the complement: SPTA1 is on the minus strand). VCF-style: chr1-158644284-C-A. GRCh37 (hg19) VCF-style: chr1-158614074-C-A.
Other names: p.Arg1436Leu; short protein forms R1436L.
Identifiers: ClinVar variation 3380028 (VCV003380028.1).